The following is an entry in ClinVar:

ClinVar aggregate classification (germline): Uncertain significance (1 of 4 stars; one submission).

Submission:

GeneDx
Classification: Uncertain significance. Last evaluated: 2024-07-07. Review status: criteria provided, single submitter. Criteria: GeneDx Variant Classification Process June 2021. Collection method: clinical testing. Allele origin: germline. Affected: yes.
Comment: Not observed at significant frequency in large population cohorts (gnomAD); Frameshift variant predicted to result in protein truncation or nonsense mediated decay in a gene or region of a gene for which loss of function is not a well-established mechanism of disease; Has not been previously published as pathogenic or benign to our knowledge

NM_012199.5(AGO1):c.1527_1530dup (p.Ser511fs)

Gene: AGO1 (argonaute RISC component 1; plus strand). Cytogenetic location: 1p34.3.
Variant type: Duplication.
Coding change: c.1527_1530dup on transcript NM_012199.5 (MANE Select); coding-DNA positions 1527 to 1530, 4 bases duplicated (CTAC; older notation c.1527_1530dupCTAC).
Protein change: p.Ser511fs; shifts the reading frame from serine 511.
Molecular consequence: frameshift variant.
Genome position (GRCh38, 1-based): chr1:35,907,064-35,907,067, CTAC duplicated; duplicating any 4 consecutive bases within chr1:35,907,062-35,907,067 gives the same sequence; the c. name uses the placement nearest the transcript's 3' end. VCF-style (leftmost placement, unchanged base first): chr1-35907061-C-CACCT. GRCh37 (hg19) VCF-style: chr1-36372662-C-CACCT.
Other names: c.1527_1530dup, p.Ser511fs (NM_001317122.2); c.1302_1305dup, p.Ser436fs (NM_001317123.2); short protein forms S436fs, S511fs.
Identifiers: ClinVar variation 3572581 (VCV003572581.1).
Genomic context (GRCh38, chr1:35,907,061, plus strand): 5'-TTTCTGCAAATATGCACAGGGGGCAGACAGCGTGGAGCCTATGTTCCGGCATCTCAAGAA[C>CACCT]ACCTACTCAGGGCTGCAGCTCATTATTGTCATCCTGCCAGGGAAGACGCCGGTGTATGGT-3'